The following is an entry in ClinVar:

ClinVar aggregate classification (germline): Uncertain significance (1 of 4 stars; one submission).

Conditions:
Inborn genetic diseases. Identifiers: MedGen C0950123, MeSH D030342.

Allele frequency attached by ClinVar (database versions not stated): TOPMed 0.00001.
gnomAD v4.1: 1 of 1,614,144 alleles (0.000062%); no homozygotes.

Submission:

Ambry Genetics
Classification: Uncertain significance for Inborn genetic diseases. Last evaluated: 2017-07-19. Review status: criteria provided, single submitter. Criteria: Ambry Variant Classification Scheme 2023. Collection method: clinical testing. Allele origin: germline.
Comment: The p.L241H variant (also known as c.722T>A), located in coding exon 1 of the NHLRC1 gene, results from a T to A substitution at nucleotide position 722. The leucine at codon 241 is replaced by histidine, an amino acid with similar properties. This amino acid position is not well conserved in available vertebrate species. In addition, the in silico prediction for this alteration is inconclusive. Since supporting evidence is limited at this time, the clinical significance of this alteration remains unclear.

NM_198586.3(NHLRC1):c.722T>A (p.Leu241His)

Gene: NHLRC1 (NHL repeat containing E3 ubiquitin protein ligase 1; minus strand). Cytogenetic location: 6p22.3.
Variant type: single nucleotide variant.
Coding change: c.722T>A on transcript NM_198586.3 (MANE Select); coding-DNA position 722, T replaced by A.
Protein change: p.Leu241His; replaces leucine 241 with histidine.
Molecular consequence: missense variant.
Genome position (GRCh38, 1-based): chr6:18,121,885, A>T on the plus strand (T>A on the coding strand, the complement: NHLRC1 is on the minus strand). VCF-style: chr6-18121885-A-T. GRCh37 (hg19) VCF-style: chr6-18122116-A-T.
Other names: short protein forms L241H.
Identifiers: ClinVar variation 1757814 (VCV001757814.2), dbSNP rs1783741353, ClinGen allele CA362826374.